The following is an entry in ClinVar:

NM_031407.7(HUWE1):c.6235G>T (p.Val2079Leu)

Gene: HUWE1 (HECT, UBA and WWE domain containing E3 ubiquitin protein ligase 1; minus strand). Cytogenetic location: Xp11.22.
Variant type: single nucleotide variant.
Coding change: c.6235G>T on transcript NM_031407.7 (MANE Select); coding-DNA position 6235, G replaced by T.
Protein change: p.Val2079Leu; replaces valine 2079 with leucine.
Molecular consequence: missense variant.
Genome position (GRCh38, 1-based): chrX:53,573,827, C>A on the plus strand (G>T on the coding strand, the complement: HUWE1 is on the minus strand). VCF-style: chrX-53573827-C-A. GRCh37 (hg19) VCF-style: chrX-53600787-C-A.
Other names: c.6232G>T, p.Val2078Leu (NM_001441056.1, NM_001441058.1, NM_001441048.1 and 2 more transcripts); c.6235G>T, p.Val2079Leu (NM_001441057.1, NM_001441049.1, NM_001441052.1 and 1 more transcripts); c.6256G>T, p.Val2086Leu (NM_001441050.1, NM_001441055.1); short protein forms V2078L, V2079L, V2086L.
Identifiers: ClinVar variation 4879246 (VCV004879246.1).
Genomic context (GRCh38, chrX:53,573,827, plus strand): 5'-ACTGGCCCACAGTGTAGCTGTAGTTGGCAATCAGGGTAGCAATACCAACATAGGACCTCA[C>A]CAACTCTGCCAGAAGACGAAGGATAGTGGAGGTAGGCATTAAAGGTTTGCTGCCCTTGCC-3'
Protein context (NP_113584.3, residues 2069-2089): STILRLLAEL[Val2079Leu]RSYVGIATLI

ClinVar aggregate classification (germline): Uncertain significance (1 of 4 stars; one submission).

Conditions:
Intellectual developmental disorder, X-linked, syndromic, Turner type. Also called: X-linked intellectual disability, Turner type; Intellectual disability, X-linked syndromic, Turner type. Identifiers: Orphanet 3056, Orphanet 85328, MedGen C2678046, MONDO:0010407, OMIM 309590.

gnomAD v4.1: 1 of 1,209,556 alleles (0.000083%); highest among the groups gnomAD compares: Non-Finnish European, 0.00011%; no homozygotes.

Submission:

Clinical Genomics Laboratory, Washington University in St. Louis
Classification: Uncertain significance for Intellectual developmental disorder, X-linked, syndromic, Turner type. Last evaluated: 2026-03-22. Review status: criteria provided, single submitter. Criteria: ACMG Guidelines, 2015. Collection method: clinical testing. Allele origin: germline.
Comment: The HUWE1 c.6235G>T (p.Val2079Leu) variant, to our knowledge, has not been reported in the medical literature. This variant is absent from the general population (gnomAD v2.1.1), indicating it is not a common variant. Computational predictors suggest that the variant does not impact HUWE1 function. Due to limited information, and based on ACMG/AMP guidelines for variant interpretation (Richards S et al., PMID: 25741868), the clinical significance of this variant is uncertain at this time.